The following is an entry in ClinVar:

NM_001032283.3(TMPO):c.221C>T (p.Thr74Ile)

Genes: TMPO (thymopoietin; plus strand), TMPO-AS1 (TMPO antisense RNA 1; minus strand), LOC130008520 (ATAC-STARR-seq lymphoblastoid silent region 4752; plus strand). Cytogenetic location: 12q23.1.
Variant type: single nucleotide variant.
Coding change: c.221C>T on transcript NM_001032283.3 (MANE Select); coding-DNA position 221, C replaced by T.
Protein change: p.Thr74Ile; replaces threonine 74 with isoleucine.
Molecular consequence: missense variant. On other transcripts: non-coding transcript variant (1).
Genome position (GRCh38, 1-based): chr12:98,516,088, C>T. VCF-style: chr12-98516088-C-T. GRCh37 (hg19) VCF-style: chr12-98909866-C-T.
Other names: c.221C>T, p.Thr74Ile (NM_001032284.3, NM_001307975.2, NM_003276.2); short protein forms T74I.
Identifiers: ClinVar variation 2920469 (VCV002920469.4), dbSNP rs759899689, ClinGen allele CA6732132.

ClinVar aggregate classification (germline): Uncertain significance. Review status: criteria provided, multiple submitters, no conflicts (2 of 4 stars). 2 submissions from 2 submitters: Uncertain significance (2). Last evaluated 2026-02-15.

Conditions:
Loeys-Dietz syndrome 2 (LDS2). Also called: Marfan syndrome, type 2 (formerly); TGFBR2-Related Loeys-Dietz Syndrome; Marfan Syndrome type 2; Marfan like connective tissue disorder; MFS 2; AORTIC ANEURYSM, FAMILIAL THORACIC 3. Identifiers: Orphanet 284973, Orphanet 558, MedGen C2674574, MONDO:0012427, OMIM 610168.

Allele frequency attached by ClinVar (database versions not stated): gnomAD 0.00001; TOPMed 0.00001.
gnomAD v4.1: 2 of 1,591,840 alleles (0.00013%); highest among the groups gnomAD compares: East Asian, 0.0023%; no homozygotes.

Submissions (2):

Ambry Genetics
Classification: Uncertain significance. Last evaluated: 2026-02-15. Review status: criteria provided, single submitter. Criteria: Ambry Variant Classification Scheme 2023. Collection method: clinical testing. Allele origin: germline.
Comment: The p.T74I variant (also known as c.221C>T), located in coding exon 1 of the TMPO gene, results from a C to T substitution at nucleotide position 221. The threonine at codon 74 is replaced by isoleucine, an amino acid with similar properties. This amino acid position is conserved. In addition, this alteration is predicted to be tolerated by in silico analysis. Based on the available evidence, the clinical significance of this variant remains unclear.

Labcorp Genetics (formerly Invitae), Labcorp
Classification: Uncertain significance for Loeys-Dietz syndrome 2. Last evaluated: 2025-11-04. Review status: criteria provided, single submitter. Criteria: Invitae Variant Classification Sherloc (09022015). Collection method: clinical testing. Allele origin: germline.
Comment: This sequence change replaces threonine, which is neutral and polar, with isoleucine, which is neutral and non-polar, at codon 74 of the TMPO protein (p.Thr74Ile). The frequency data for this variant in the population databases is considered unreliable, as metrics indicate poor data quality at this position in the gnomAD database. This variant has not been reported in the literature in individuals affected with TMPO-related conditions. ClinVar contains an entry for this variant (Variation ID: 2920469). An algorithm developed to predict the effect of missense changes on protein structure and function (PolyPhen-2) suggests that this variant is likely to be disruptive. In summary, the available evidence is currently insufficient to determine the role of this variant in disease. Therefore, it has been classified as a Variant of Uncertain Significance.